The following is an entry in ClinVar:

NM_001282225.2(ADA2):c.1090G>C (p.Gly364Arg)

Gene: ADA2 (adenosine deaminase 2; minus strand). Cytogenetic location: 22q11.1.
Variant type: single nucleotide variant.
Coding change: c.1090G>C on transcript NM_001282225.2 (MANE Select); coding-DNA position 1090, G replaced by C.
Protein change: p.Gly364Arg; replaces glycine 364 with arginine.
Molecular consequence: missense variant.
Genome position (GRCh38, 1-based): chr22:17,182,753, C>G on the plus strand (G>C on the coding strand, the complement: ADA2 is on the minus strand). VCF-style: chr22-17182753-C-G. GRCh37 (hg19) VCF-style: chr22-17663643-C-G.
Other names: c.1090G>C, p.Gly364Arg (NM_001282226.2); c.964G>C, p.Gly322Arg (NM_001282227.2, NM_001282228.2); c.730G>C, p.Gly244Arg (NM_001282229.2); c.367G>C, p.Gly123Arg (NM_177405.3); short protein forms G123R, G244R, G322R, G364R.
Identifiers: ClinVar variation 3027269 (VCV003027269.22), dbSNP rs2517279212, ClinGen allele CA410232571.

ClinVar aggregate classification (germline): Likely pathogenic (1 of 4 stars; one submission).

Submission:

CeGaT Center for Human Genetics Tuebingen
Classification: Likely pathogenic. Last evaluated: 2025-03-01. Review status: criteria provided, single submitter. Criteria: CeGaT Center For Human Genetics Tuebingen Variant Classification Criteria Version 2. Collection method: clinical testing. Allele origin: germline. Affected: yes. Observed: 2 variant alleles.
Comment: ADA2: PM2, PM3, PP4:Moderate